The following is an entry in ClinVar:

NM_001256470.2(PLEKHA5):c.1056G>T (p.Leu352=)

Gene: PLEKHA5 (pleckstrin homology domain containing A5; plus strand). Cytogenetic location: 12p12.3.
Variant type: single nucleotide variant.
Coding change: c.1056G>T on transcript NM_001256470.2 (MANE Select); coding-DNA position 1056, G replaced by T.
Protein change: p.Leu352=; no amino-acid change (leucine 352 retained).
Molecular consequence: synonymous variant. On other transcripts: non-coding transcript variant (6).
Genome position (GRCh38, 1-based): chr12:19,274,726, G>T. VCF-style: chr12-19274726-G-T. GRCh37 (hg19) VCF-style: chr12-19427660-G-T.
Other names: c.1038G>T, p.Leu346= (NM_001143821.3, NM_001385923.1, NM_001385925.1 and 11 more transcripts); c.714G>T, p.Leu238= (NM_001256787.2, NM_001385935.1, NM_001385940.1 and 25 more transcripts); c.1056G>T, p.Leu352= (NM_001385924.1, NM_001385926.1, NM_001385927.1 and 4 more transcripts); c.732G>T, p.Leu244= (NM_001385933.1, NM_001385939.1, NM_001385942.1); c.609G>T, p.Leu203= (NM_001385963.1); c.567G>T, p.Leu189= (NM_001385965.1).
Identifiers: ClinVar variation 3044941 (VCV003044941.2), dbSNP rs2545092971, ClinGen allele CA478589166.

ClinVar aggregate classification (germline): Likely benign (0 of 4 stars; one submission).

Conditions:
PLEKHA5-related disorder. Also called: PLEKHA5-related condition.

Submission:

PreventionGenetics, part of Exact Sciences
Classification: Likely benign for PLEKHA5-related condition. Last evaluated: 2022-08-25. Review status: no assertion criteria provided. Collection method: clinical testing. Allele origin: germline.
Comment: This variant is classified as likely benign based on ACMG/AMP sequence variant interpretation guidelines (Richards et al. 2015 PMID: 25741868, with internal and published modifications).